The following is an entry in ClinVar:

ClinVar aggregate classification (germline): Pathogenic/Likely pathogenic. Review status: criteria provided, multiple submitters, no conflicts (2 of 4 stars). 2 submissions from 2 submitters: Pathogenic (1); Likely pathogenic (1). Last evaluated 2024-09-23.

Conditions:
Loeys-Dietz syndrome (LDS). Identifiers: Orphanet 60030, MedGen C2697932, MONDO:0018954.
Loeys-Dietz syndrome 2 (LDS2). Also called: AORTIC ANEURYSM, FAMILIAL THORACIC 3; MARFAN SYNDROME, TYPE II; TGFBR2-Related Loeys-Dietz Syndrome; Marfan syndrome, type 2 (formerly); MFS 2; Marfan Syndrome type 2. Identifiers: Orphanet 284973, Orphanet 558, MedGen C2674574, MONDO:0012427, OMIM 610168.

Allele frequency attached by ClinVar (database versions not stated): gnomAD exomes below 0.00001.
gnomAD v4.1: 1 of 1,614,088 alleles (0.000062%); no homozygotes.

Submissions (2):

Greenwood Genetic Center Diagnostic Laboratories, Greenwood Genetic Center
Classification: Likely pathogenic for Loeys-Dietz syndrome 2. Last evaluated: 2024-09-23. Review status: criteria provided, single submitter. Criteria: ACMG Guidelines, 2015. Collection method: clinical testing. Allele origin: germline. Affected: yes.
Comment: PM2, PM6, PP3, PP4

National Institute of Allergy and Infectious Diseases - Centralized Sequencing Program, National Institutes of Health
Classification: Pathogenic for Loeys-Dietz syndrome. Last evaluated: 2021-08-06. Review status: criteria provided, single submitter. Criteria: ACMG Guidelines, 2015. Collection method: clinical testing. Allele origin: germline. Affected: yes.

NM_003242.6(TGFBR2):c.1301T>A (p.Met434Lys)

Gene: TGFBR2 (transforming growth factor beta receptor 2; plus strand). Cytogenetic location: 3p24.1.
Variant type: single nucleotide variant.
Coding change: c.1301T>A on transcript NM_003242.6 (MANE Select); coding-DNA position 1301, T replaced by A.
Protein change: p.Met434Lys; replaces methionine 434 with lysine.
Molecular consequence: missense variant.
Genome position (GRCh38, 1-based): chr3:30,674,151, T>A. VCF-style: chr3-30674151-T-A. GRCh37 (hg19) VCF-style: chr3-30715643-T-A.
Other names: c.1376T>A, p.Met459Lys (NM_001024847.3); c.1484T>A, p.Met495Lys (NM_001407126.1); c.1409T>A, p.Met470Lys (NM_001407127.1); c.1328T>A, p.Met443Lys (NM_001407128.1); c.1304T>A, p.Met435Lys (NM_001407129.1); c.1301T>A, p.Met434Lys (NM_001407130.1); c.1196T>A, p.Met399Lys (NM_001407132.1, NM_001407133.1, NM_001407134.1 and 2 more transcripts); c.1016T>A, p.Met339Lys (NM_001407137.1); and 1 more; short protein forms M434K, M459K, M339K, M443K, M399K, M470K, M314K, M435K.
Identifiers: ClinVar variation 1687722 (VCV001687722.4), dbSNP rs1575158954, ClinGen allele CA351808961.